The following is an entry in ClinVar:

NM_001367624.2(ZNF469):c.10960C>T (p.His3654Tyr)

Gene: ZNF469 (zinc finger protein 469; plus strand). Cytogenetic location: 16q24.2.
Variant type: single nucleotide variant.
Coding change: c.10960C>T on transcript NM_001367624.2 (MANE Select); coding-DNA position 10960, C replaced by T.
Protein change: p.His3654Tyr; replaces histidine 3654 with tyrosine.
Molecular consequence: missense variant.
Genome position (GRCh38, 1-based): chr16:88,438,430, C>T. VCF-style: chr16-88438430-C-T. GRCh37 (hg19) VCF-style: chr16-88504838-C-T.
Other names: NM_001127464.1:c.10876C>T; short protein forms H3654Y.
Identifiers: ClinVar variation 3987345 (VCV003987345.1).

ClinVar aggregate classification (germline): Uncertain significance (1 of 4 stars; one submission).

Conditions:
Cardiovascular phenotype. Identifiers: MedGen CN230736.

gnomAD v4.1: 10 of 1,550,012 alleles (0.00065%); highest among the groups gnomAD compares: East Asian, 0.022%; no homozygotes.

Submission:

Ambry Genetics
Classification: Uncertain significance for Cardiovascular phenotype. Last evaluated: 2025-05-10. Review status: criteria provided, single submitter. Criteria: Ambry Variant Classification Scheme 2023. Collection method: clinical testing. Allele origin: germline.
Comment: The p.H3626Y variant (also known as c.10876C>T), located in coding exon 2 of the ZNF469 gene, results from a C to T substitution at nucleotide position 10876. The histidine at codon 3626 is replaced by tyrosine, an amino acid with similar properties. This amino acid position is conserved. In addition, this alteration is predicted to be tolerated by in silico analysis. Based on the available evidence, the clinical significance of this variant remains unclear.